The following is an entry in ClinVar:

ClinVar aggregate classification (germline): Likely pathogenic (1 of 4 stars; one submission).

Submission:

Labcorp Genetics (formerly Invitae), Labcorp
Classification: Likely pathogenic. Last evaluated: 2024-09-05. Review status: criteria provided, single submitter. Criteria: Invitae Variant Classification Sherloc (09022015). Collection method: clinical testing. Allele origin: germline.
Comment: This sequence change replaces proline, which is neutral and non-polar, with histidine, which is basic and polar, at codon 331 of the SLC12A3 protein (p.Pro331His). This variant is not present in population databases (gnomAD no frequency). This variant has not been reported in the literature in individuals affected with SLC12A3-related conditions. Invitae Evidence Modeling of protein sequence and biophysical properties (such as structural, functional, and spatial information, amino acid conservation, physicochemical variation, residue mobility, and thermodynamic stability) indicates that this missense variant is expected to disrupt SLC12A3 protein function with a positive predictive value of 95%. This variant disrupts the p.Pro331 amino acid residue in SLC12A3. Other variant(s) that disrupt this residue have been determined to be pathogenic (PMID: 35628451). This suggests that this residue is clinically significant, and that variants that disrupt this residue are likely to be disease-causing. In summary, the currently available evidence indicates that the variant is pathogenic, but additional data are needed to prove that conclusively. Therefore, this variant has been classified as Likely Pathogenic.

Literature cited by the submitters: PubMed 35628451.

NM_001126108.2(SLC12A3):c.992C>A (p.Pro331His)

Gene: SLC12A3 (solute carrier family 12 member 3; plus strand). Cytogenetic location: 16q13.
Variant type: single nucleotide variant.
Coding change: c.992C>A on transcript NM_001126108.2 (MANE Select); coding-DNA position 992, C replaced by A.
Protein change: p.Pro331His; replaces proline 331 with histidine.
Molecular consequence: missense variant.
Genome position (GRCh38, 1-based): chr16:56,872,683, C>A. VCF-style: chr16-56872683-C-A. GRCh37 (hg19) VCF-style: chr16-56906595-C-A.
Other names: c.992C>A, p.Pro331His (NM_000339.3); c.989C>A, p.Pro330His (NM_001126107.2, NM_001410896.1); short protein forms P330H, P331H.
Identifiers: ClinVar variation 3621861 (VCV003621861.2).